The following is an entry in ClinVar:

ClinVar aggregate classification (germline): Uncertain significance. Review status: criteria provided, multiple submitters, no conflicts (2 of 4 stars). 4 submissions from 4 submitters: Uncertain significance (3). 1 of the submissions does not count toward it. Last evaluated 2024-08-07.

Conditions:
Neuronal ceroid lipofuscinosis 2. Also called: TPP1-Related Neuronal Ceroid-Lipofuscinosis; JANSKY-BIELSCHOWSKY DISEASE NEURONAL CEROID LIPOFUSCINOSIS, LATE INFANTILE. Identifiers: Orphanet 168491, Orphanet 228349, Orphanet 79264, MedGen C1876161, MONDO:0008769, OMIM 204500.

Allele frequency attached by ClinVar (database versions not stated): gnomAD exomes 0.00001; TOPMed 0.00002; ExAC 0.00001.
gnomAD v4.1: 20 of 1,614,062 alleles (0.0012%); highest among the groups gnomAD compares: East Asian, 0.02%; no homozygotes.

Submissions (4):

Blueprint Genetics
Classification: Uncertain significance. Last evaluated: 2024-08-07. Review status: criteria provided, single submitter. Criteria: ACMG Guidelines, 2015. Collection method: clinical testing. Allele origin: germline.

Labcorp Genetics (formerly Invitae), Labcorp
Classification: Uncertain significance. Last evaluated: 2022-07-26. Review status: criteria provided, single submitter. Criteria: Invitae Variant Classification Sherloc (09022015). Collection method: clinical testing. Allele origin: germline.
Comment: This sequence change replaces arginine, which is basic and polar, with histidine, which is basic and polar, at codon 175 of the TPP1 protein (p.Arg175His). This variant is present in population databases (rs764922748, gnomAD 0.003%). This variant has not been reported in the literature in individuals affected with TPP1-related conditions. ClinVar contains an entry for this variant (Variation ID: 207576). Algorithms developed to predict the effect of missense changes on protein structure and function are either unavailable or do not agree on the potential impact of this missense change (SIFT: "Deleterious"; PolyPhen-2: "Probably Damaging"; Align-GVGD: "Class C0"). In summary, the available evidence is currently insufficient to determine the role of this variant in disease. Therefore, it has been classified as a Variant of Uncertain Significance.

GeneDx
Classification: Uncertain significance. Last evaluated: 2015-03-28. Review status: criteria provided, single submitter. Criteria: GeneDx Variant Classification (06012015). Collection method: clinical testing. Allele origin: germline. Affected: yes.
Comment: p.Arg175His (CGT>CAT): c.524 G>A in exon 6 of the TPP1 gene (NM_000391.3) The R175H variant has not been published as a mutation, nor has it been reported as a benign polymorphism to our knowledge. It was not observed in approximately 6,500 individuals of European and African American ancestry in the NHLBI Exome Sequencing Project, indicating it is not a common benign variant in these populations. This substitution occurs at a position that is conserved across species, and in silico analysis predicts this variant is probably damaging to the protein structure/function. However, the R175H variant is a conservative amino acid substitution, which is not likely to impact secondary protein structure as these residues share similar properties. Therefore, based on the currently available information, it is unclear whether this variant is a pathogenic mutation or a rare benign variant and is interpreted to be of uncertain significance. The variant is found in PME-EPI panel(s).

Natera, Inc.
Classification: Uncertain significance for Neuronal ceroid lipofuscinosis 2. Last evaluated: 2020-09-16. Review status: no assertion criteria provided. Collection method: clinical testing. Allele origin: germline. Not counted in ClinVar's aggregate classification.

NM_000391.4(TPP1):c.524G>A (p.Arg175His)

Gene: TPP1 (tripeptidyl peptidase 1; minus strand). Cytogenetic location: 11p15.4.
Variant type: single nucleotide variant.
Coding change: c.524G>A on transcript NM_000391.4 (MANE Select); coding-DNA position 524, G replaced by A.
Protein change: p.Arg175His; replaces arginine 175 with histidine.
Molecular consequence: missense variant.
Genome position (GRCh38, 1-based): chr11:6,617,138, C>T on the plus strand (G>A on the coding strand, the complement: TPP1 is on the minus strand). VCF-style: chr11-6617138-C-T. GRCh37 (hg19) VCF-style: chr11-6638369-C-T.
Other names: p.R175H:CGT>CAT; short protein forms R175H.
Identifiers: ClinVar variation 207576 (VCV000207576.7), dbSNP rs764922748, ClinGen allele CA319178.